The following is an entry in ClinVar:

ClinVar aggregate classification (germline): Pathogenic/Likely pathogenic. Review status: criteria provided, multiple submitters, no conflicts (2 of 4 stars). 3 submissions from 3 submitters: Pathogenic (1); Likely pathogenic (1). 1 of the submissions does not count toward it. Last evaluated 2024-11-15.

Conditions:
Microcephaly-intellectual disability-sensorineural hearing loss-epilepsy-abnormal muscle tone syndrome (NEDHSB). Also called: NEURODEVELOPMENTAL DISORDER WITH HEARING LOSS, SEIZURES, AND BRAIN ABNORMALITIES. Identifiers: Orphanet 457351, MedGen C4225276, MONDO:0014698, OMIM 616577.

Allele frequency attached by ClinVar (database versions not stated): gnomAD exomes below 0.00001; TOPMed 0.00002; gnomAD 0.00003 and 0.00004.
gnomAD v4.1: 7 of 1,602,922 alleles (0.00044%); highest among the groups gnomAD compares: African/African-American, 0.0067%; no homozygotes.

Submissions (3):

Labcorp Genetics (formerly Invitae), Labcorp
Classification: Likely pathogenic for Microcephaly-intellectual disability-sensorineural hearing loss-epilepsy-abnormal muscle tone syndrome. Last evaluated: 2024-11-15. Review status: criteria provided, single submitter. Criteria: Invitae Variant Classification Sherloc (09022015). Collection method: clinical testing. Allele origin: germline.
Comment: This sequence change replaces alanine, which is neutral and non-polar, with valine, which is neutral and non-polar, at codon 844 of the SPATA5 protein (p.Ala844Val). This variant is present in population databases (rs796051892, gnomAD 0.01%). This missense change has been observed in individual(s) with a SPATA5-related condition (PMID: 26299366). In at least one individual the data is consistent with being in trans (on the opposite chromosome) from a pathogenic variant. It has also been observed to segregate with disease in related individuals. ClinVar contains an entry for this variant (Variation ID: 203530). Invitae Evidence Modeling of protein sequence and biophysical properties (such as structural, functional, and spatial information, amino acid conservation, physicochemical variation, residue mobility, and thermodynamic stability) has been performed for this missense variant. However, the output from this modeling did not meet the statistical confidence thresholds required to predict the impact of this variant on SPATA5 protein function. In summary, the currently available evidence indicates that the variant is pathogenic, but additional data are needed to prove that conclusively. Therefore, this variant has been classified as Likely Pathogenic.

Institute of Medical Genetics and Applied Genomics, University Hospital Tübingen
Classification: Pathogenic. Last evaluated: 2020-10-23. Review status: criteria provided, single submitter. Criteria: ACMG Guidelines, 2015. Collection method: clinical testing. Allele origin: germline. Inheritance: Autosomal recessive inheritance. Affected: yes.

OMIM
Classification: Pathogenic for NEURODEVELOPMENTAL DISORDER WITH HEARING LOSS, SEIZURES, AND BRAIN ABNORMALITIES. Last evaluated: 2015-09-03. Review status: no assertion criteria provided. Collection method: literature only. Allele origin: germline. Not counted in ClinVar's aggregate classification.

Literature cited by the submitters: PubMed 26299366 (cited by Labcorp Genetics (formerly Invitae), Labcorp and OMIM).

NM_145207.3(AFG2A):c.2531C>T (p.Ala844Val)

Gene: AFG2A (AAA ATPase AFG2A; plus strand). Cytogenetic location: 4q28.1.
Variant type: single nucleotide variant.
Coding change: c.2531C>T on transcript NM_145207.3 (MANE Select); coding-DNA position 2531, C replaced by T.
Protein change: p.Ala844Val; replaces alanine 844 with valine.
Molecular consequence: missense variant.
Genome position (GRCh38, 1-based): chr4:123,313,913, C>T. VCF-style: chr4-123313913-C-T. GRCh37 (hg19) VCF-style: chr4-124235068-C-T.
Other names: c.2528C>T, p.Ala843Val (NM_001345856.2); short protein forms A844V, A843V.
Identifiers: ClinVar variation 203530 (VCV000203530.11), dbSNP rs796051892, ClinGen allele CA207576.